The following is an entry in ClinVar:

NM_001854.4(COL11A1):c.3107G>C (p.Gly1036Ala)

Gene: COL11A1 (collagen type XI alpha 1 chain; minus strand). Cytogenetic location: 1p21.1.
Variant type: single nucleotide variant.
Coding change: c.3107G>C on transcript NM_001854.4 (MANE Select); coding-DNA position 3107, G replaced by C.
Protein change: p.Gly1036Ala; replaces glycine 1036 with alanine.
Molecular consequence: missense variant. On other transcripts: non-coding transcript variant (1).
Genome position (GRCh38, 1-based): chr1:102,962,183, C>G on the plus strand (G>C on the coding strand, the complement: COL11A1 is on the minus strand). VCF-style: chr1-102962183-C-G. GRCh37 (hg19) VCF-style: chr1-103427739-C-G.
Other names: c.2990G>C, p.Gly997Ala (NM_001190709.2); c.3143G>C, p.Gly1048Ala (NM_080629.3); c.2759G>C, p.Gly920Ala (NM_080630.4); short protein forms G920A, G997A, G1036A, G1048A.
Identifiers: ClinVar variation 4741116 (VCV004741116.1).

ClinVar aggregate classification (germline): Uncertain significance (1 of 4 stars; one submission).

Submission:

Labcorp Genetics (formerly Invitae), Labcorp
Classification: Uncertain significance. Last evaluated: 2025-06-09. Review status: criteria provided, single submitter. Criteria: Invitae Variant Classification Sherloc (09022015). Collection method: clinical testing. Allele origin: germline.
Comment: This sequence change replaces glycine, which is neutral and non-polar, with alanine, which is neutral and non-polar, at codon 1036 of the COL11A1 protein (p.Gly1036Ala). This variant is not present in population databases (gnomAD no frequency). This variant has not been reported in the literature in individuals affected with COL11A1-related conditions. Invitae Evidence Modeling of protein sequence and biophysical properties (such as structural, functional, and spatial information, amino acid conservation, physicochemical variation, residue mobility, and thermodynamic stability) indicates that this missense variant is expected to disrupt COL11A1 protein function with a positive predictive value of 80%. In summary, the available evidence is currently insufficient to determine the role of this variant in disease. Therefore, it has been classified as a Variant of Uncertain Significance.